The following is an entry in ClinVar:

ClinVar aggregate classification (germline): Uncertain significance (1 of 4 stars; one submission).

Conditions:
T-B+ severe combined immunodeficiency due to JAK3 deficiency. Also called: SCID, T CELL-NEGATIVE, B CELL-POSITIVE, NK CELL-NEGATIVE; SCID, autosomal recessive, T-negative/B-positive type. Identifiers: Orphanet 35078, MedGen C1833275, MONDO:0010938, OMIM 600802.

gnomAD v4.1: 1 of 1,600,214 alleles (0.000062%); highest among the groups gnomAD compares: South Asian, 0.0011%; no homozygotes.

Submission:

Labcorp Genetics (formerly Invitae), Labcorp
Classification: Uncertain significance for T-B+ severe combined immunodeficiency due to JAK3 deficiency. Last evaluated: 2020-07-09. Review status: criteria provided, single submitter. Criteria: Invitae Variant Classification Sherloc (09022015). Collection method: clinical testing. Allele origin: germline.
Comment: In summary, the available evidence is currently insufficient to determine the role of this variant in disease. Therefore, it has been classified as a Variant of Uncertain Significance. Algorithms developed to predict the effect of missense changes on protein structure and function (SIFT, PolyPhen-2, Align-GVGD) all suggest that this variant is likely to be tolerated, but these predictions have not been confirmed by published functional studies and their clinical significance is uncertain. This variant has not been reported in the literature in individuals with JAK3-related conditions. This variant is not present in population databases (ExAC no frequency). This sequence change replaces glycine with arginine at codon 119 of the JAK3 protein (p.Gly119Arg). The glycine residue is weakly conserved and there is a moderate physicochemical difference between glycine and arginine.

NM_000215.4(JAK3):c.355G>C (p.Gly119Arg)

Gene: JAK3 (Janus kinase 3; minus strand). Cytogenetic location: 19p13.11.
Variant type: single nucleotide variant.
Coding change: c.355G>C on transcript NM_000215.4 (MANE Select); coding-DNA position 355, G replaced by C.
Protein change: p.Gly119Arg; replaces glycine 119 with arginine.
Molecular consequence: missense variant.
Genome position (GRCh38, 1-based): chr19:17,843,445, C>G on the plus strand (G>C on the coding strand, the complement: JAK3 is on the minus strand). VCF-style: chr19-17843445-C-G. GRCh37 (hg19) VCF-style: chr19-17954254-C-G.
Other names: short protein forms G119R.
Identifiers: ClinVar variation 1062719 (VCV001062719.9), dbSNP rs763832096, ClinGen allele CA404773702.